The following is an entry in ClinVar:

ClinVar aggregate classification (germline): Uncertain significance. Review status: criteria provided, multiple submitters, no conflicts (2 of 4 stars). 2 submissions from 2 submitters: Uncertain significance (2). Last evaluated 2023-08-15.

Conditions:
Cardiac arrhythmia. Also called: Cardiac rhythm disease; Arrhythmia. Identifiers: MedGen C0003811, MONDO:0007263, HP:0011675.
Long QT syndrome (LQTS). Identifiers: MedGen C0023976, MeSH D008133, MONDO:0002442. Disease mechanism: loss of function. Inheritance: Various modes of inheritance.

gnomAD v4.1: 5 of 1,570,524 alleles (0.00032%); highest among the groups gnomAD compares: Non-Finnish European, 0.00043%; no homozygotes.

Submissions (2):

All of Us Research Program, National Institutes of Health
Classification: Uncertain significance for Long QT syndrome. Last evaluated: 2023-08-15. Review status: criteria provided, single submitter. Criteria: ACMG Guidelines, 2015. Collection method: clinical testing. Allele origin: germline. Inheritance: Autosomal dominant inheritance. Observed: 1 variant allele, 1 heterozygote.
Comment: This missense variant replaces valine with leucine at codon 554 of the KCNQ1 protein. Computational prediction suggests that this variant may have deleterious impact on protein structure and function (internally defined REVEL score threshold >= 0.7, PMID: 27666373). To our knowledge, functional studies have not been reported for this variant. This variant has not been reported in individuals affected with cardiovascular disorders in the literature. This variant has not been identified in the general population by the Genome Aggregation Database (gnomAD). The available evidence is insufficient to determine the role of this variant in disease conclusively. Therefore, this variant is classified as a Variant of Uncertain Significance.

This study involves interpretation of variants in research participants for the purpose of population health screening. Participant phenotype was not available at the time of variant classification. Additional details can be found in publication PMID: 35346344, PMCID: PMC8962531

Color Diagnostics, LLC DBA Color Health
Classification: Uncertain significance for Cardiac arrhythmia. Last evaluated: 2020-12-10. Review status: criteria provided, single submitter. Criteria: ACMG Guidelines, 2015. Collection method: clinical testing. Allele origin: germline.
Comment: This missense variant replaces valine with leucine at codon 554 of the KCNQ1 protein. Computational prediction suggests that this variant may have deleterious impact on protein structure and function (internally defined REVEL score threshold >= 0.7, PMID: 27666373). To our knowledge, functional studies have not been reported for this variant. This variant has not been reported in individuals affected with cardiovascular disorders in the literature. This variant has not been identified in the general population by the Genome Aggregation Database (gnomAD). The available evidence is insufficient to determine the role of this variant in disease conclusively. Therefore, this variant is classified as a Variant of Uncertain Significance.

NM_000218.3(KCNQ1):c.1660G>T (p.Val554Leu)

Gene: KCNQ1 (potassium voltage-gated channel subfamily Q member 1; plus strand). Cytogenetic location: 11p15.5.
Variant type: single nucleotide variant.
Coding change: c.1660G>T on transcript NM_000218.3 (MANE Select); coding-DNA position 1660, G replaced by T.
Protein change: p.Val554Leu; replaces valine 554 with leucine.
Molecular consequence: missense variant.
Genome position (GRCh38, 1-based): chr11:2,776,029, G>T. VCF-style: chr11-2776029-G-T. GRCh37 (hg19) VCF-style: chr11-2797259-G-T.
Other names: c.1564G>T, p.Val522Leu (NM_001406836.1); c.1390G>T, p.Val464Leu (NM_001406837.1); c.1120G>T, p.Val374Leu (NM_001406838.1); c.1279G>T, p.Val427Leu (NM_181798.2); short protein forms V554L, V427L, V374L, V464L, V522L.
Identifiers: ClinVar variation 923332 (VCV000923332.7), dbSNP rs794728533, ClinGen allele CA379139204.